The following is an entry in ClinVar:

ClinVar aggregate classification (germline): Pathogenic/Likely pathogenic. Review status: criteria provided, multiple submitters, no conflicts (2 of 4 stars). 2 submissions from 2 submitters: Pathogenic (1); Likely pathogenic (1). Last evaluated 2025-03-13.

Conditions:
CUL3-related disorder. Also called: CUL3-related condition; CUL3-related disorders.

Submissions (2):

GeneDx
Classification: Pathogenic. Last evaluated: 2025-03-13. Review status: criteria provided, single submitter. Criteria: GeneDx Variant Classification Process June 2021. Collection method: clinical testing. Allele origin: germline. Affected: yes.
Comment: Observed as a de novo variant in an individual with autism spectrum disorder; however, no further clinical information was provided (PMID: 35982160, 35982159); Not observed at significant frequency in large population cohorts (gnomAD); Frameshift variant predicted to result in protein truncation or nonsense mediated decay in a gene for which loss of function is a known mechanism of disease; This variant is associated with the following publications: (PMID: 35982159, 35982160)

Blueprint Genetics
Classification: Likely pathogenic for CUL3-related disorders. Last evaluated: 2023-10-10. Review status: criteria provided, single submitter. Criteria: ACMG Guidelines, 2015. Collection method: clinical testing. Allele origin: germline. Affected: yes. Observed: 1 variant allele.

NM_003590.4(CUL3):c.540_541del

Gene: CUL3 (cullin 3; minus strand). Cytogenetic location: 2q36.2.
Variant type: Microsatellite.
Coding change: c.540_541del on transcript NM_003590.4; coding-DNA positions 540 to 541, 2 bases deleted (AG; older notation c.540_541delAG).
Genome position (GRCh38, 1-based): chr2:224,513,637-224,513,638, CT deleted on the plus strand (AG on the coding strand, the reverse complement: CUL3 is on the minus strand); deleting any 2 consecutive bases within chr2:224,513,637-224,513,640 gives the same sequence; the c. name uses the placement nearest the transcript's 3' end. VCF-style (leftmost placement, unchanged base first): chr2-224513636-CCT-C. GRCh37 (hg19) VCF-style: chr2-225378353-CCT-C.
Identifiers: ClinVar variation 4083399 (VCV004083399.2).